The following is an entry in ClinVar:

ClinVar aggregate classification (germline): Uncertain significance. Review status: criteria provided, single submitter (1 of 4 stars). 2 submissions from 2 submitters: Uncertain significance (1). 1 of the submissions does not count toward it. Last evaluated 2025-12-31.

Conditions:
KMT2D-related disorder. Also called: KMT2D-Related Disorders.

gnomAD v4.1: 1 of 1,614,030 alleles (0.000062%); highest among the groups gnomAD compares: Non-Finnish European, 0.000085%; no homozygotes.

Submissions (2):

Women's Health and Genetics/Laboratory Corporation of America, LabCorp
Classification: Uncertain significance. Last evaluated: 2025-12-31. Review status: criteria provided, single submitter. Criteria: LabCorp Variant Classification Summary - May 2015. Collection method: clinical testing. Allele origin: germline.
Comment: Variant summary: KMT2D c.5432G>A (p.Gly1811Asp) results in a non-conservative amino acid change in the encoded protein sequence. Algorithms developed to predict the effect of missense changes on protein structure and function are either unavailable or do not agree on the potential impact of this missense change. The variant was absent in 249212 control chromosomes. The available data on variant occurrences in the general population are insufficient to allow any conclusion about variant significance. To our knowledge, no occurrence of c.5432G>A in individuals affected with KMT2D-related conditions and no experimental evidence demonstrating its impact on protein function have been reported. ClinVar contains an entry for this variant (Variation ID: 3344644). Based on the evidence outlined above, the variant was classified as uncertain significance.

PreventionGenetics, part of Exact Sciences
Classification: Uncertain significance for KMT2D-related condition. Last evaluated: 2024-04-30. Review status: no assertion criteria provided. Collection method: clinical testing. Allele origin: germline. Not counted in ClinVar's aggregate classification.
Comment: The KMT2D c.5432G>A variant is predicted to result in the amino acid substitution p.Gly1811Asp. To our knowledge, this variant has not been reported in the literature or in a large population database, indicating this variant is rare. At this time, the clinical significance of this variant is uncertain due to the absence of conclusive functional and genetic evidence.

NM_003482.4(KMT2D):c.5432G>A (p.Gly1811Asp)

Gene: KMT2D (lysine methyltransferase 2D; minus strand). Cytogenetic location: 12q13.12.
Variant type: single nucleotide variant.
Coding change: c.5432G>A on transcript NM_003482.4 (MANE Select); coding-DNA position 5432, G replaced by A.
Protein change: p.Gly1811Asp; replaces glycine 1811 with aspartic acid.
Molecular consequence: missense variant.
Genome position (GRCh38, 1-based): chr12:49,043,670, C>T on the plus strand (G>A on the coding strand, the complement: KMT2D is on the minus strand). VCF-style: chr12-49043670-C-T. GRCh37 (hg19) VCF-style: chr12-49437453-C-T.
Other names: short protein forms G1811D.
Identifiers: ClinVar variation 3344644 (VCV003344644.2).